The following is an entry in ClinVar:

NM_002661.5(PLCG2):c.1297C>G (p.Pro433Ala)

Gene: PLCG2 (phospholipase C gamma 2; plus strand). Cytogenetic location: 16q23.3.
Variant type: single nucleotide variant.
Coding change: c.1297C>G on transcript NM_002661.5 (MANE Select); coding-DNA position 1297, C replaced by G.
Protein change: p.Pro433Ala; replaces proline 433 with alanine.
Molecular consequence: missense variant.
Genome position (GRCh38, 1-based): chr16:81,900,715, C>G. VCF-style: chr16-81900715-C-G. GRCh37 (hg19) VCF-style: chr16-81934320-C-G.
Other names: short protein forms P433A.
Identifiers: ClinVar variation 3307370 (VCV003307370.3).
Genomic context (GRCh38, chr16:81,900,715, plus strand): 5'-CAACAGCGTCACATGGCCAAGGCCTTCAAGGAAGTATTTGGCGACCTGCTGTTGACGAAG[C>G]CCACGGAGGCCAGTGCTGACCAGCTGCCCTCGCCCAGCCAGCTGCGGGAGAAGATCATCA-3'
Protein context (NP_002652.2, residues 423-443): EVFGDLLLTK[Pro433Ala]TEASADQLPS

ClinVar aggregate classification (germline): Uncertain significance. Review status: criteria provided, multiple submitters, no conflicts (2 of 4 stars). 2 submissions from 2 submitters: Uncertain significance (2). Last evaluated 2025-05-19.

Conditions:
Familial cold autoinflammatory syndrome 3 (FCAS3). Also called: FAMILIAL ATYPICAL COLD URTICARIA; ANTIBODY DEFICIENCY AND IMMUNE DYSREGULATION, PLCG2-ASSOCIATED. Identifiers: Orphanet 300359, MedGen C3280914, MONDO:0013766, OMIM 614468.
Inborn genetic diseases. Identifiers: MedGen C0950123, MeSH D030342.

Submissions (2):

Labcorp Genetics (formerly Invitae), Labcorp
Classification: Uncertain significance for Familial cold autoinflammatory syndrome 3. Last evaluated: 2025-05-19. Review status: criteria provided, single submitter. Criteria: Invitae Variant Classification Sherloc (09022015). Collection method: clinical testing. Allele origin: germline.
Comment: This sequence change replaces proline, which is neutral and non-polar, with alanine, which is neutral and non-polar, at codon 433 of the PLCG2 protein (p.Pro433Ala). This variant is not present in population databases (gnomAD no frequency). This variant has not been reported in the literature in individuals affected with PLCG2-related conditions. ClinVar contains an entry for this variant (Variation ID: 3307370). An algorithm developed to predict the effect of missense changes on protein structure and function (PolyPhen-2) suggests that this variant is likely to be disruptive. In summary, the available evidence is currently insufficient to determine the role of this variant in disease. Therefore, it has been classified as a Variant of Uncertain Significance.

Ambry Genetics
Classification: Uncertain significance for Inborn genetic diseases. Last evaluated: 2024-03-31. Review status: criteria provided, single submitter. Criteria: Ambry Variant Classification Scheme 2023. Collection method: clinical testing. Allele origin: germline.